The following is an entry in ClinVar:

NC_000021.9:g.(?_36938822)_(36939004_?)del

Gene: HLCS (holocarboxylase synthetase; minus strand). Cytogenetic location: 21q22.13.
Variant type: Deletion.
Identifiers: ClinVar variation 831691 (VCV000831691.4).

ClinVar aggregate classification (germline): Pathogenic (1 of 4 stars; one submission).

Conditions:
Holocarboxylase synthetase deficiency. Also called: MULTIPLE CARBOXYLASE DEFICIENCY, EARLY ONSET. Identifiers: Orphanet 79242, MedGen C0268581, MONDO:0009666, OMIM 253270.

Submission:

Labcorp Genetics (formerly Invitae), Labcorp
Classification: Pathogenic for Holocarboxylase synthetase deficiency. Last evaluated: 2021-10-29. Review status: criteria provided, single submitter. Criteria: Invitae Variant Classification Sherloc (09022015). Collection method: clinical testing. Allele origin: germline.
Comment: This variant is a gross deletion of the genomic region encompassing exon(s) 4 of the HLCS gene, which includes the initiator codon. This deletion extends beyond the assayed region for this gene and therefore may encompass additional genes. It is expected to result in an absent or disrupted protein product. Loss-of-function variants in HLCS are known to be pathogenic (PMID: 16134170). This variant has not been reported in the literature in individuals affected with HLCS-related conditions. For these reasons, this variant has been classified as Pathogenic.

Literature cited by the submitters: PubMed 16134170.